The following is an entry in ClinVar:

NM_002226.5(JAG2):c.2337C>T (p.Asp779=)

Gene: JAG2 (jagged canonical Notch ligand 2; minus strand). Cytogenetic location: 14q32.33.
Variant type: single nucleotide variant.
Coding change: c.2337C>T on transcript NM_002226.5 (MANE Select); coding-DNA position 2337, C replaced by T.
Protein change: p.Asp779=; no amino-acid change (aspartic acid 779 retained).
Molecular consequence: synonymous variant.
Genome position (GRCh38, 1-based): chr14:105,147,800, G>A on the plus strand (C>T on the coding strand, the complement: JAG2 is on the minus strand). VCF-style: chr14-105147800-G-A. GRCh37 (hg19) VCF-style: chr14-105614137-G-A.
Other names: c.2223C>T, p.Asp741= (NM_145159.3).
Identifiers: ClinVar variation 714589 (VCV000714589.5), dbSNP rs141925862, ClinGen allele CA7385655.

ClinVar aggregate classification (germline): Benign. Review status: criteria provided, single submitter (1 of 4 stars). 2 submissions from 2 submitters: Benign (1). 1 of the submissions does not count toward it. Last evaluated 2018-12-26.

Conditions:
JAG2-related disorder. Also called: JAG2-related condition.

Allele frequency attached by ClinVar (database versions not stated): gnomAD exomes 0.00009 and 0.00025; 1000 Genomes Project 0.00040; ESP Exome Variant Server 0.00049; ExAC 0.00060; gnomAD 0.00077 and 0.00084; 1000 Genomes Project 30x 0.00078; TOPMed 0.00086.
gnomAD v4.1: 255 of 1,548,810 alleles (0.016%); highest among the groups gnomAD compares: African/African-American, 0.26%; no homozygotes.

Submissions (2):

Labcorp Genetics (formerly Invitae), Labcorp
Classification: Benign. Last evaluated: 2018-12-26. Review status: criteria provided, single submitter. Criteria: Invitae Variant Classification Sherloc (09022015). Collection method: clinical testing. Allele origin: germline.

PreventionGenetics, part of Exact Sciences
Classification: Likely benign for JAG2-related condition. Last evaluated: 2019-06-08. Review status: no assertion criteria provided. Collection method: clinical testing. Allele origin: germline. Not counted in ClinVar's aggregate classification.
Comment: This variant is classified as likely benign based on ACMG/AMP sequence variant interpretation guidelines (Richards et al. 2015 PMID: 25741868, with internal and published modifications).